The following is an entry in ClinVar:

ClinVar aggregate classification (germline): Uncertain significance (1 of 4 stars; one submission).

Conditions:
Malignant hyperthermia, susceptibility to, 1 (MHS1). Also called: RYR1-Related Malignant Hyperthermia Susceptibility; Malignant hyperthermia suceptibility 1; Anesthesia related hyperthermia; Malignant hyperpyrexia; Fulminating hyperpyrexia; Pharmacogenic myopathy. Identifiers: Orphanet 423, MedGen C2930980, MONDO:0007783, OMIM 145600.

Submission:

Color Diagnostics, LLC DBA Color Health
Classification: Uncertain significance for Malignant hyperthermia, susceptibility to, 1. Last evaluated: 2025-06-29. Review status: criteria provided, single submitter. Criteria: ACMG Guidelines, 2015. Collection method: clinical testing. Allele origin: germline.
Comment: This missense variant replaces glycine with alanine at codon 1173 of the RYR1 protein. Computational prediction suggests that this variant may have deleterious impact on protein structure and function. To our knowledge, functional studies have not been reported for this variant. This variant has not been reported in individuals affected with RYR1-related disorders in the literature. This variant has not been identified in the general population by the Genome Aggregation Database (gnomAD). The available evidence is insufficient to determine the role of this variant in disease conclusively. Therefore, this variant is classified as a Variant of Uncertain Significance.

NM_000540.3(RYR1):c.3518G>C (p.Gly1173Ala)

Gene: RYR1 (ryanodine receptor 1; plus strand). Cytogenetic location: 19q13.2.
Variant type: single nucleotide variant.
Coding change: c.3518G>C on transcript NM_000540.3 (MANE Select); coding-DNA position 3518, G replaced by C.
Protein change: p.Gly1173Ala; replaces glycine 1173 with alanine.
Molecular consequence: missense variant.
Genome position (GRCh38, 1-based): chr19:38,469,102, G>C. VCF-style: chr19-38469102-G-C. GRCh37 (hg19) VCF-style: chr19-38959742-G-C.
Other names: c.3518G>C, p.Gly1173Ala (NM_001042723.2); short protein forms G1173A.
Identifiers: ClinVar variation 4757307 (VCV004757307.1).